The following is an entry in ClinVar:

NM_033026.6(PCLO):c.916A>G (p.Ile306Val)

Gene: PCLO (piccolo presynaptic cytomatrix protein; minus strand). Cytogenetic location: 7q21.11.
Variant type: single nucleotide variant.
Coding change: c.916A>G on transcript NM_033026.6 (MANE Select); coding-DNA position 916, A replaced by G.
Protein change: p.Ile306Val; replaces isoleucine 306 with valine.
Molecular consequence: missense variant.
Genome position (GRCh38, 1-based): chr7:83,155,725, T>C on the plus strand (A>G on the coding strand, the complement: PCLO is on the minus strand). VCF-style: chr7-83155725-T-C. GRCh37 (hg19) VCF-style: chr7-82785041-T-C.
Other names: c.916A>G (NM_033026.5); c.916A>G, p.Ile306Val (NM_014510.3); short protein forms I306V.
Identifiers: ClinVar variation 1372409 (VCV001372409.8), dbSNP rs770385439, ClinGen allele CA4321577.

ClinVar aggregate classification (germline): Uncertain significance. Review status: criteria provided, multiple submitters, no conflicts (2 of 4 stars). 3 submissions from 3 submitters: Uncertain significance (3). Last evaluated 2026-08-06.

Conditions:
Inborn genetic diseases. Identifiers: MedGen C0950123, MeSH D030342.
Pontocerebellar hypoplasia type 3 (PCH3). Also called: CEREBELLAR ATROPHY WITH PROGRESSIVE MICROCEPHALY; PCH WITH OPTIC ATROPHY. Identifiers: Orphanet 97249, MedGen C1842687, MONDO:0011948, OMIM 608027.

Allele frequency attached by ClinVar (database versions not stated): gnomAD 0.00006; ExAC 0.00004; gnomAD exomes 0.00004; TOPMed 0.00005.
gnomAD v4.1: 62 of 1,613,842 alleles (0.0038%); highest among the groups gnomAD compares: Middle Eastern, 0.016%; no homozygotes.

Submissions (3):

OLLIN Analises Genomicas, OLLIN
Classification: Uncertain significance for Pontocerebellar hypoplasia type 3. Last evaluated: 2026-08-06. Review status: criteria provided, single submitter. Criteria: ACMG Guidelines 2015 PMID 25741868. Collection method: clinical testing. Allele origin: germline. Inheritance: Autosomal recessive inheritance.
Comment: This missense variant, located in exon 2 (of 25), has been reported in ClinVar (accession VCV001372409.7) and in gnomAD with an allele frequency of 0.0038%. However, to our knowledge, it has not been reported in the scientific literature. In silico analysis predicts that this variant has a tolerated effect. According to the currently available evidence, this variant has been classified as uncertain significance (PM2_P, BP4_M).

Labcorp Genetics (formerly Invitae), Labcorp
Classification: Uncertain significance. Last evaluated: 2023-12-02. Review status: criteria provided, single submitter. Criteria: Invitae Variant Classification Sherloc (09022015). Collection method: clinical testing. Allele origin: germline.
Comment: This sequence change replaces isoleucine, which is neutral and non-polar, with valine, which is neutral and non-polar, at codon 306 of the PCLO protein (p.Ile306Val). This variant is present in population databases (rs770385439, gnomAD 0.02%). This variant has not been reported in the literature in individuals affected with PCLO-related conditions. ClinVar contains an entry for this variant (Variation ID: 1372409). Algorithms developed to predict the effect of missense changes on protein structure and function output the following: SIFT: "Not Available"; PolyPhen-2: "Not Available"; Align-GVGD: "Not Available". The valine amino acid residue is found in multiple mammalian species, which suggests that this missense change does not adversely affect protein function. In summary, the available evidence is currently insufficient to determine the role of this variant in disease. Therefore, it has been classified as a Variant of Uncertain Significance.

Ambry Genetics
Classification: Uncertain significance for Inborn genetic diseases. Last evaluated: 2023-10-16. Review status: criteria provided, single submitter. Criteria: Ambry Variant Classification Scheme 2023. Collection method: clinical testing. Allele origin: germline.